The following is an entry in ClinVar:

NM_015295.3(SMCHD1):c.5175+7G>A

Gene: SMCHD1 (structural maintenance of chromosomes flexible hinge domain containing 1; plus strand). Cytogenetic location: 18p11.32.
Variant type: single nucleotide variant.
Coding change: c.5175+7G>A on transcript NM_015295.3 (MANE Select); 7 bases into the intron after coding-DNA position 5175, G replaced by A.
Molecular consequence: intron variant.
Genome position (GRCh38, 1-based): chr18:2,772,379, G>A. VCF-style: chr18-2772379-G-A. GRCh37 (hg19) VCF-style: chr18-2772377-G-A.
Identifiers: ClinVar variation 3234508 (VCV003234508.20), dbSNP rs1289059953, ClinGen allele CA628040462.

ClinVar aggregate classification (germline): Uncertain significance (1 of 4 stars; one submission).

Submission:

CeGaT Center for Human Genetics Tuebingen
Classification: Uncertain significance. Last evaluated: 2024-03-01. Review status: criteria provided, single submitter. Criteria: CeGaT Center For Human Genetics Tuebingen Variant Classification Criteria Version 2. Collection method: clinical testing. Allele origin: germline. Affected: yes. Observed: 1 variant allele.
Comment: SMCHD1: PM2, BP4